The following is an entry in ClinVar:

NM_003579.4(RAD54L):c.80C>T (p.Pro27Leu)

Gene: RAD54L (RAD54 like; plus strand). Cytogenetic location: 1p34.1.
Variant type: single nucleotide variant.
Coding change: c.80C>T on transcript NM_003579.4 (MANE Select); coding-DNA position 80, C replaced by T.
Protein change: p.Pro27Leu; replaces proline 27 with leucine.
Molecular consequence: missense variant. On other transcripts: 5 prime UTR variant (1).
Genome position (GRCh38, 1-based): chr1:46,248,588, C>T. VCF-style: chr1-46248588-C-T. GRCh37 (hg19) VCF-style: chr1-46714260-C-T.
Other names: c.80C>T, p.Pro27Leu (NM_001142548.2); c.-461C>T (NM_001370766.1); short protein forms P27L.
Identifiers: ClinVar variation 3429832 (VCV003429832.1).

ClinVar aggregate classification (germline): Uncertain significance (1 of 4 stars; one submission).

gnomAD v4.1: 2 of 1,614,122 alleles (0.00012%); highest among the groups gnomAD compares: African/African-American, 0.0013%; no homozygotes.

Submission:

Ambry Genetics
Classification: Uncertain significance. Last evaluated: 2024-11-09. Review status: criteria provided, single submitter. Criteria: Ambry Variant Classification Scheme 2023. Collection method: clinical testing. Allele origin: germline.
Comment: The p.P27L variant (also known as c.80C>T), located in coding exon 2 of the RAD54L gene, results from a C to T substitution at nucleotide position 80. The proline at codon 27 is replaced by leucine, an amino acid with similar properties. This amino acid position is conserved. In addition, the in silico prediction for this alteration is inconclusive. Based on the available evidence, the clinical significance of this variant remains unclear.